The following is an entry in ClinVar:

NM_000059.4(BRCA2):c.7375A>C (p.Lys2459Gln)

Gene: BRCA2 (BRCA2 DNA repair associated; plus strand). Cytogenetic location: 13q13.1.
Variant type: single nucleotide variant.
Coding change: c.7375A>C on transcript NM_000059.4 (MANE Select); coding-DNA position 7375, A replaced by C.
Protein change: p.Lys2459Gln; replaces lysine 2459 with glutamine.
Molecular consequence: missense variant.
Genome position (GRCh38, 1-based): chr13:32,355,228, A>C. VCF-style: chr13-32355228-A-C. GRCh37 (hg19) VCF-style: chr13-32929365-A-C.
Other names: short protein forms K2459Q.
Identifiers: ClinVar variation 965837 (VCV000965837.10), dbSNP rs397507913, ClinGen allele CA387741625.

ClinVar aggregate classification (germline): Uncertain significance (1 of 4 stars; one submission).

Conditions:
Hereditary breast ovarian cancer syndrome. Also called: Hereditary breast and ovarian cancer; Hereditary breast and/or ovarian cancer syndrome; Hereditary breast and ovarian cancer syndrome; Hereditary breast and ovarian cancer syndrome (HBOC); Breast and ovarian cancer; BRCA1- and BRCA2-Associated Hereditary Breast and Ovarian Cancer. Identifiers: Orphanet 145, MedGen C0677776, MeSH D061325, MONDO:0003582. Disease mechanism: loss of function.

Submission:

Labcorp Genetics (formerly Invitae), Labcorp
Classification: Uncertain significance for Hereditary breast ovarian cancer syndrome. Last evaluated: 2019-10-03. Review status: criteria provided, single submitter. Criteria: Invitae Variant Classification Sherloc (09022015). Collection method: clinical testing. Allele origin: germline.
Comment: In summary, the available evidence is currently insufficient to determine the role of this variant in disease. Therefore, it has been classified as a Variant of Uncertain Significance. Algorithms developed to predict the effect of missense changes on protein structure and function output the following: SIFT: "Deleterious"; PolyPhen-2: "Possibly Damaging"; Align-GVGD: "Class C0". The glutamine amino acid residue is found in multiple mammalian species, suggesting that this missense change does not adversely affect protein function. These predictions have not been confirmed by published functional studies and their clinical significance is uncertain. This variant has not been reported in the literature in individuals with BRCA2-related conditions. This variant is not present in population databases (ExAC no frequency). This sequence change replaces lysine with glutamine at codon 2459 of the BRCA2 protein (p.Lys2459Gln). The lysine residue is weakly conserved and there is a small physicochemical difference between lysine and glutamine.